The following is an entry in ClinVar:

NM_015909.4(NBAS):c.115C>T (p.Gln39Ter)

Genes: NBAS (NBAS subunit of NRZ tethering complex; minus strand), LOC129933155 (ATAC-STARR-seq lymphoblastoid active region 15346; plus strand). Cytogenetic location: 2p24.3.
Variant type: single nucleotide variant.
Coding change: c.115C>T on transcript NM_015909.4 (MANE Select); coding-DNA position 115, C replaced by T.
Protein change: p.Gln39Ter; replaces glutamine 39 with a stop codon.
Molecular consequence: nonsense. On other transcripts: non-coding transcript variant (1).
Genome position (GRCh38, 1-based): chr2:15,561,190, G>A on the plus strand (C>T on the coding strand, the complement: NBAS is on the minus strand). VCF-style: chr2-15561190-G-A. GRCh37 (hg19) VCF-style: chr2-15701314-G-A.
Other names: short protein forms Q39*.
Identifiers: ClinVar variation 3764681 (VCV003764681.2).

ClinVar aggregate classification (germline): Likely pathogenic (1 of 4 stars; one submission).

Conditions:
Short stature-optic atrophy-Pelger-Huët anomaly syndrome. Also called: Short stature, optic nerve atrophy, and Pelger-Huet anomaly; Short stature-optic atrophy-Pelger-HuC+t anomaly syndrome. Identifiers: Orphanet 391677, MedGen C3541319, MONDO:0013889, OMIM 614800.
Infantile liver failure syndrome 2 (ILFS2). Identifiers: MedGen C3809651, MONDO:0014659, OMIM 616483.

Submission:

Juno Genomics, Hangzhou Juno Genomics, Inc
Classification: Likely pathogenic for Infantile liver failure syndrome 2; Short stature-optic atrophy-Pelger-Huët anomaly syndrome. Review status: criteria provided, single submitter. Criteria: ACMG Guidelines, 2015. Collection method: clinical testing. Allele origin: germline. Affected: yes.
Comment: Absent from controls (or at extremely low frequency if recessive) in Genome Aggregation Database, Exome Sequencing Project, 1000 Genomes Project, or Exome Aggregation Consortium.;Null variant in a gene where loss of function (LOF) is a known mechanism of disease.